The following is an entry in ClinVar:

ClinVar aggregate classification (germline): Pathogenic. Review status: criteria provided, multiple submitters, no conflicts (2 of 4 stars). 10 submissions from 10 submitters: Pathogenic (10). Last evaluated 2025-10-02.

Conditions:
Becker muscular dystrophy, Cardiomyopathy, Duchenne muscular dystrophy, Dystrophin deficiency.
Neuromuscular disease caused by qualitative or quantitative defects of dystrophin. Also called: Qualitative or quantitative defects of dystrophin. Identifiers: Orphanet 207085, MedGen C5679787, MONDO:0016147.
Duchenne muscular dystrophy (DMD). Also called: Duchenne Muscular Dystrophy (DMD); MUSCULAR DYSTROPHY, PSEUDOHYPERTROPHIC PROGRESSIVE, DUCHENNE TYPE. Identifiers: Orphanet 98896, MedGen C0013264, MONDO:0010679, OMIM 310200.

gnomAD v4.1: 1 of 1,210,502 alleles (0.000083%); no homozygotes.

Submissions (10):

Labcorp Genetics (formerly Invitae), Labcorp
Classification: Pathogenic for Duchenne muscular dystrophy. Last evaluated: 2025-10-02. Review status: criteria provided, single submitter. Criteria: Invitae Variant Classification Sherloc (09022015). Collection method: clinical testing. Allele origin: germline.
Comment: This sequence change creates a premature translational stop signal (p.Arg1666*) in the DMD gene. It is expected to result in an absent or disrupted protein product. Loss-of-function variants in DMD are known to be pathogenic (PMID: 16770791, 25007885). This variant is not present in population databases (gnomAD no frequency). This premature translational stop signal has been observed in individuals with Duchenne muscular dystrophy (PMID: 11524473, 15351422, 17253928, 19760747, 19959795, 21396098). Invitae Evidence Modeling of clinical and family history, age, sex, and reported ancestry of multiple individuals with this DMD variant has been performed. This variant is expected to be pathogenic with a positive predictive value of at least 99%. This is a validated machine learning model that incorporates the clinical features of 600,801 individuals referred to our laboratory for DMD testing. ClinVar contains an entry for this variant (Variation ID: 94646). Algorithms developed to predict the effect of sequence changes on RNA splicing suggest that this variant may disrupt the consensus splice site. For these reasons, this variant has been classified as Pathogenic.

Revvity Omics, Revvity
Classification: Pathogenic. Last evaluated: 2025-03-21. Review status: criteria provided, single submitter. Criteria: ACMG Guidelines, 2015. Collection method: clinical testing. Allele origin: germline.

Laboratory of Genetics, Children's Clinical University Hospital Latvia
Classification: Pathogenic. Last evaluated: 2025-02-16. Review status: criteria provided, single submitter. Criteria: ACMG Guidelines, 2015. Collection method: clinical testing. Allele origin: germline. Affected: yes.

Natera, Inc.
Classification: Pathogenic for Becker muscular dystrophy, Cardiomyopathy, Duchenne muscular dystrophy, Dystrophin deficiency. Last evaluated: 2024-04-05. Review status: criteria provided, single submitter. Criteria: Natera Variant Classification Schema (03/2026). Collection method: clinical testing. Allele origin: germline.
Comment: The c.4996C>T variant in DMD is a nonsense variant predicted to introduce a stop codon at amino acid 1666. This variant is expected to result in nonsense mediated decay, truncation, or a dysfunctional protein product. This variant is rare in the general population with a frequency below the threshold expected for the associated phenotype(s). This variant has been observed in affected individual(s) with monoallelic occurrence (heterozygous/hemizygous) (PMID: 19959795, 28859693, 29973226). Functional studies show that this variant may disrupt protein function (PMID: 35090586). Given the available evidence, this variant is classified as Pathogenic.

Women's Health and Genetics/Laboratory Corporation of America, LabCorp
Classification: Pathogenic for Neuromuscular disease caused by qualitative or quantitative defects of dystrophin. Last evaluated: 2023-07-21. Review status: criteria provided, single submitter. Criteria: LabCorp Variant Classification Summary - May 2015. Collection method: clinical testing. Allele origin: germline.
Comment: Variant summary: DMD c.4996C>T (p.Arg1666X) results in a premature termination codon, predicted to cause a truncation of the encoded protein or absence of the protein due to nonsense mediated decay, which are commonly known mechanisms for disease. Variants downstream of this position have been classified as pathogenic by our laboratory. The variant was absent in 183156 control chromosomes (gnomAD). c.4996C>T has been reported in the literature in individuals affected with Dystrophinopathies (example: Tuffery-Giraud_2004, Spitali_2009, and Magri_2011). These data indicate that the variant is likely to be associated with disease. To our knowledge, no experimental evidence demonstrating an impact on protein function has been reported. Seven submitters have cited clinical-significance assessments for this variant to ClinVar after 2014. All submitters classified the variant as pathogenic. Based on the evidence outlined above, the variant was classified as pathogenic.

Genomic Research Center, Shahid Beheshti University of Medical Sciences
Classification: Pathogenic for Duchenne muscular dystrophy. Last evaluated: 2020-05-03. Review status: criteria provided, single submitter. Criteria: ACMG Guidelines, 2015. Collection method: clinical testing. Allele origin: unknown. Affected: yes.

Mendelics
Classification: Pathogenic for Duchenne muscular dystrophy. Last evaluated: 2019-05-28. Review status: criteria provided, single submitter. Criteria: Mendelics Assertion Criteria 2017. Collection method: clinical testing. Allele origin: unknown.

Eurofins Ntd Llc (ga)
Classification: Pathogenic. Last evaluated: 2017-02-01. Review status: criteria provided, single submitter. Criteria: EGL Classification Definitions 2015. Collection method: clinical testing. Allele origin: germline. Observed: 3 variant alleles, 2 heterozygotes, 1 hemizygote.

Athena Diagnostics
Classification: Pathogenic. Last evaluated: 2016-08-22. Review status: criteria provided, single submitter. Criteria: Athena Diagnostics Criteria. Collection method: clinical testing. Allele origin: germline.

Neuberg Centre For Genomic Medicine, NCGM
Classification: Pathogenic for Duchenne muscular dystrophy. Review status: criteria provided, single submitter. Criteria: ACMG Guidelines, 2015. Collection method: clinical testing. Allele origin: germline. Inheritance: X-linked inheritance. Affected: yes.
Comment: The frame shift variant c.4996C>T(p.Arg1666Ter) has been reported previously in patients affected with Duchenne muscular dystrophy (Magri F et al., 2011; Stockley TL et al., 2006). This sequence change creates a premature translational stop signal (p.Arg1666) in the DMD gene. It is expected to result in an absent or disrupted protein product. The nucleotide change in DMD is predicted as conserved by GERP++ and PhyloP across 100 vertebrates. The c.4996C>T(p.Arg1666Ter) variant is novel (not in any individuals) in gnomAD Exomes and is novel (not in any individuals) in 1000 Genomes. This variant is predicted to cause loss of normal protein function through protein truncation. Loss of function variants have been previously reported to be disease causing. For these reasons, this variant has been classified as Pathogenic.

Literature cited by the submitters: PubMed 16770791 (cited by Labcorp Genetics (formerly Invitae), Labcorp); PubMed 25007885 (cited by Labcorp Genetics (formerly Invitae), Labcorp); PubMed 11524473 (cited by Labcorp Genetics (formerly Invitae), Labcorp); PubMed 15351422 (cited by 3 submitters); PubMed 17253928 (cited by Labcorp Genetics (formerly Invitae), Labcorp and Athena Diagnostics); PubMed 19760747 (cited by 3 submitters); PubMed 19959795 (cited by 3 submitters); PubMed 21396098 (cited by 3 submitters); PubMed 28859693 (cited by Natera, Inc.); PubMed 29973226 (cited by Natera, Inc.); PubMed 35090586 (cited by Natera, Inc.); PubMed 17435279 (cited by Athena Diagnostics); PubMed 19449031 (cited by Athena Diagnostics); PubMed 26594346 (cited by Athena Diagnostics); PubMed 15643612 (cited by Athena Diagnostics).

NM_004006.3(DMD):c.4996C>T (p.Arg1666Ter)

Gene: DMD (dystrophin; minus strand). Cytogenetic location: Xp21.1.
Variant type: single nucleotide variant.
Coding change: c.4996C>T on transcript NM_004006.3 (MANE Select); coding-DNA position 4996, C replaced by T.
Protein change: p.Arg1666Ter; replaces arginine 1666 with a stop codon.
Molecular consequence: nonsense.
Genome position (GRCh38, 1-based): chrX:32,365,049, G>A on the plus strand (C>T on the coding strand, the complement: DMD is on the minus strand). VCF-style: chrX-32365049-G-A. GRCh37 (hg19) VCF-style: chrX-32383166-G-A.
Other names: NP_003997.1:p.Arg1666*; c.4972C>T, p.Arg1658Ter (NM_000109.4); c.4984C>T, p.Arg1662Ter (NM_004009.3); c.4627C>T, p.Arg1543Ter (NM_004010.3); c.973C>T, p.Arg325Ter (NM_004011.4); c.964C>T, p.Arg322Ter (NM_004012.4); short protein forms R1666*, R1658*, R1662*, R325*, R1543*, R322*.
Identifiers: ClinVar variation 94646 (VCV000094646.26), dbSNP rs398123973, ClinGen allele CA267046.
Genomic context (GRCh38, chrX:32,365,049, plus strand): 5'-GGGTGTAAAAGCTTCTAGCCTTTTCTCTTACCAACAAAAGATTTAACCACTCTTCTGCTC[G>A]GGAGGTGACAGCTATCCAGTTACTATTCAGAAGACTGAGTTTATCTTCCACCAACGTCTC-3'